The following is an entry in ClinVar:

NM_003620.4(PPM1D):c.304G>A (p.Ala102Thr)

Gene: PPM1D (protein phosphatase, Mg2+/Mn2+ dependent 1D; plus strand). Cytogenetic location: 17q23.2.
Variant type: single nucleotide variant.
Coding change: c.304G>A on transcript NM_003620.4 (MANE Select); coding-DNA position 304, G replaced by A.
Protein change: p.Ala102Thr; replaces alanine 102 with threonine.
Molecular consequence: missense variant.
Genome position (GRCh38, 1-based): chr17:60,600,718, G>A. VCF-style: chr17-60600718-G-A. GRCh37 (hg19) VCF-style: chr17-58678079-G-A.
Other names: short protein forms A102T.
Identifiers: ClinVar variation 2414787 (VCV002414787.6), dbSNP rs1443946558, ClinGen allele CA400454569.

ClinVar aggregate classification (germline): Uncertain significance (1 of 4 stars; one submission).

gnomAD v4.1: 3 of 1,607,740 alleles (0.00019%); highest among the groups gnomAD compares: Non-Finnish European, 0.00017%; no homozygotes.

Submission:

Labcorp Genetics (formerly Invitae), Labcorp
Classification: Uncertain significance. Last evaluated: 2025-05-27. Review status: criteria provided, single submitter. Criteria: Invitae Variant Classification Sherloc (09022015). Collection method: clinical testing. Allele origin: germline.
Comment: This sequence change replaces alanine, which is neutral and non-polar, with threonine, which is neutral and polar, at codon 102 of the PPM1D protein (p.Ala102Thr). This variant is not present in population databases (gnomAD no frequency). This variant has not been reported in the literature in individuals affected with PPM1D-related conditions. ClinVar contains an entry for this variant (Variation ID: 2414787). An algorithm developed to predict the effect of missense changes on protein structure and function (PolyPhen-2) suggests that this variant is likely to be disruptive. In summary, the available evidence is currently insufficient to determine the role of this variant in disease. Therefore, it has been classified as a Variant of Uncertain Significance.